The following is an entry in ClinVar:

NM_133259.4(LRPPRC):c.2896+8A>G

Gene: LRPPRC (leucine rich pentatricopeptide repeat containing; minus strand). Cytogenetic location: 2p21.
Variant type: single nucleotide variant.
Coding change: c.2896+8A>G on transcript NM_133259.4 (MANE Select); 8 bases into the intron after coding-DNA position 2896, A replaced by G.
Molecular consequence: intron variant.
Genome position (GRCh38, 1-based): chr2:43,925,059, T>C on the plus strand (A>G on the coding strand, the complement: LRPPRC is on the minus strand). VCF-style: chr2-43925059-T-C. GRCh37 (hg19) VCF-style: chr2-44152198-T-C.
Other names: p.?.
Identifiers: ClinVar variation 792784 (VCV000792784.9), dbSNP rs766145846, ClinGen allele CA1638290.

ClinVar aggregate classification (germline): Likely benign. Review status: criteria provided, multiple submitters, no conflicts (2 of 4 stars). 2 submissions from 2 submitters: Likely benign (2). Last evaluated 2025-11-23.

Allele frequency attached by ClinVar (database versions not stated): gnomAD exomes below 0.00001 and 0.00001; ExAC 0.00001; gnomAD 0.00002; TOPMed 0.00004.
gnomAD v4.1: 6 of 1,414,900 alleles (0.00042%); highest among the groups gnomAD compares: African/African-American, 0.0056%; no homozygotes.

Submissions (2):

Mayo Clinic Laboratories, Mayo Clinic
Classification: Likely benign. Last evaluated: 2025-11-23. Review status: criteria provided, single submitter. Criteria: ACMG Guidelines, 2015. Collection method: clinical testing. Allele origin: germline. Observed: 1 variant allele.
Comment: BP4, BP7

Labcorp Genetics (formerly Invitae), Labcorp
Classification: Likely benign. Last evaluated: 2023-09-26. Review status: criteria provided, single submitter. Criteria: Invitae Variant Classification Sherloc (09022015). Collection method: clinical testing. Allele origin: germline.